The following is an entry in ClinVar:

NM_001013703.4(EIF2AK4):c.4685T>C (p.Leu1562Pro)

Gene: EIF2AK4 (eukaryotic translation initiation factor 2 alpha kinase 4; plus strand). Cytogenetic location: 15q15.1.
Variant type: single nucleotide variant.
Coding change: c.4685T>C on transcript NM_001013703.4 (MANE Select); coding-DNA position 4685, T replaced by C.
Protein change: p.Leu1562Pro; replaces leucine 1562 with proline.
Molecular consequence: missense variant.
Genome position (GRCh38, 1-based): chr15:40,032,194, T>C. VCF-style: chr15-40032194-T-C. GRCh37 (hg19) VCF-style: chr15-40324395-T-C.
Other names: short protein forms L1562P.
Identifiers: ClinVar variation 3636592 (VCV003636592.2).

ClinVar aggregate classification (germline): Uncertain significance (1 of 4 stars; one submission).

Submission:

Labcorp Genetics (formerly Invitae), Labcorp
Classification: Uncertain significance. Last evaluated: 2024-10-25. Review status: criteria provided, single submitter. Criteria: Invitae Variant Classification Sherloc (09022015). Collection method: clinical testing. Allele origin: germline.
Comment: This sequence change replaces leucine, which is neutral and non-polar, with proline, which is neutral and non-polar, at codon 1562 of the EIF2AK4 protein (p.Leu1562Pro). This variant is not present in population databases (gnomAD no frequency). This variant has not been reported in the literature in individuals affected with EIF2AK4-related conditions. Invitae Evidence Modeling of protein sequence and biophysical properties (such as structural, functional, and spatial information, amino acid conservation, physicochemical variation, residue mobility, and thermodynamic stability) indicates that this missense variant is not expected to disrupt EIF2AK4 protein function with a negative predictive value of 95%. In summary, the available evidence is currently insufficient to determine the role of this variant in disease. Therefore, it has been classified as a Variant of Uncertain Significance.